The following is an entry in ClinVar:

ClinVar aggregate classification (germline): Likely pathogenic (1 of 4 stars; one submission).

Conditions:
Neuromuscular disease caused by qualitative or quantitative defects of dystrophin. Also called: Qualitative or quantitative defects of dystrophin. Identifiers: Orphanet 207085, MedGen C5679787, MONDO:0016147.

Submission:

Women's Health and Genetics/Laboratory Corporation of America, LabCorp
Classification: Likely pathogenic for Dystrophinopathies. Last evaluated: 2019-02-15. Review status: criteria provided, single submitter. Criteria: LabCorp Variant Classification Summary - May 2015. Collection method: clinical testing. Allele origin: germline.
Comment: Variant summary: The variant, DMD c.9461T>A (p.Leu3154X) results in a premature termination codon, predicted to cause a truncation of the encoded protein or absence of the protein due to nonsense mediated decay, which are commonly known mechanisms for disease. The variant was absent in 178623 control chromosomes (gnomAD) and has been reported in the literature in at-least one individual affected with Becker Muscular Dystrophy (BMD). These data, however do not allow any unequivocal conclusions about association of the variant significance. To our knowledge, no experimental evidence demonstrating an impact on protein function has been reported. No clinical diagnostic laboratories have submitted clinical-significance assessments for this variant to ClinVar after 2014. Based on the evidence outlined above, the variant was classified as likely pathogenic.

Literature cited by the submitters: PubMed 19959795.

NM_004006.3(DMD):c.9461T>A (p.Leu3154Ter)

Gene: DMD (dystrophin; minus strand). Cytogenetic location: Xp21.2.
Variant type: single nucleotide variant.
Coding change: c.9461T>A on transcript NM_004006.3 (MANE Select); coding-DNA position 9461, T replaced by A.
Protein change: p.Leu3154Ter; replaces leucine 3154 with a stop codon.
Molecular consequence: nonsense.
Genome position (GRCh38, 1-based): chrX:31,209,600, A>T on the plus strand (T>A on the coding strand, the complement: DMD is on the minus strand). VCF-style: chrX-31209600-A-T. GRCh37 (hg19) VCF-style: chrX-31227717-A-T.
Other names: c.9437T>A, p.Leu3146Ter (NM_000109.4); c.9449T>A, p.Leu3150Ter (NM_004009.3); c.9092T>A, p.Leu3031Ter (NM_004010.3); c.5438T>A, p.Leu1813Ter (NM_004011.4); c.5429T>A, p.Leu1810Ter (NM_004012.4); c.2081T>A, p.Leu694Ter (NM_004013.3, NM_004020.4, NM_004021.3 and 2 more transcripts); c.1274T>A, p.Leu425Ter (NM_004014.3); c.257T>A, p.Leu86Ter (NM_004015.3, NM_004016.3, NM_004017.3 and 2 more transcripts); short protein forms L1810*, L1813*, L3031*, L3146*, L3150*, L3154*, L425*, L694*.
Identifiers: ClinVar variation 929015 (VCV000929015.2), dbSNP rs2044442536, ClinGen allele CA412649947.